The following is an entry in ClinVar:

NM_001367479.1(DNAH14):c.12392_12397delinsCTGGAT (p.Ile4131_Glu4133delinsThrGlyTer)

Gene: DNAH14 (dynein axonemal heavy chain 14; plus strand). Cytogenetic location: 1q42.12.
Variant type: Indel.
Coding change: c.12392_12397delinsCTGGAT on transcript NM_001367479.1 (MANE Select); coding-DNA positions 12392 to 12397, TTGGAG replaced by CTGGAT.
Protein change: p.Ile4131_Glu4133delinsThrGlyTer.
Molecular consequence: nonsense.
Genome position (GRCh38, 1-based): chr1:225,374,761-225,374,766, TTGGAG replaced by CTGGAT. VCF-style: chr1-225374761-TTGGAG-CTGGAT. GRCh37 (hg19) VCF-style: chr1-225562463-TTGGAG-CTGGAT.
Other names: NM_001373.1:c.12113_12118delinsCTGGAT.
Identifiers: ClinVar variation 3364504 (VCV003364504.1).

ClinVar aggregate classification (germline): Uncertain significance (1 of 4 stars; one submission).

Submission:

GeneDx
Classification: Uncertain significance. Last evaluated: 2023-11-20. Review status: criteria provided, single submitter. Criteria: GeneDx Variant Classification Process June 2021. Collection method: clinical testing. Allele origin: germline. Affected: yes.
Comment: Nonsense variant predicted to result in protein truncation or nonsense mediated decay in a gene or region of a gene for which loss of function is not a well-established mechanism of disease; Not observed at significant frequency in large population cohorts (gnomAD); Has not been previously published as pathogenic or benign to our knowledge